The following is an entry in ClinVar:

NM_198576.4(AGRN):c.5652-302T>G

Gene: AGRN (agrin; plus strand). Cytogenetic location: 1p36.33.
Variant type: single nucleotide variant.
Coding change: c.5652-302T>G on transcript NM_198576.4 (MANE Select); 302 bases into the intron before coding-DNA position 5652, T replaced by G.
Molecular consequence: intron variant.
Genome position (GRCh38, 1-based): chr1:1,053,451, T>G. VCF-style: chr1-1053451-T-G. GRCh37 (hg19) VCF-style: chr1-988831-T-G.
Other names: c.5688-10T>G (NM_001305275.2); c.5349-302T>G (NM_001364727.2).
Identifiers: ClinVar variation 3046413 (VCV003046413.2), dbSNP rs1441837784, ClinGen allele CA520592061.

ClinVar aggregate classification (germline): Likely benign (0 of 4 stars; one submission).

Conditions:
AGRN-related disorder. Also called: AGRN-related condition.

Allele frequency attached by ClinVar (database versions not stated): gnomAD exomes 0.00001; gnomAD 0.00002; TOPMed 0.00002.
gnomAD v4.1: 20 of 1,455,862 alleles (0.0014%); highest among the groups gnomAD compares: Middle Eastern, 0.018%; no homozygotes.

Submission:

PreventionGenetics, part of Exact Sciences
Classification: Likely benign for AGRN-related condition. Last evaluated: 2020-03-24. Review status: no assertion criteria provided. Collection method: clinical testing. Allele origin: germline.
Comment: This variant is classified as likely benign based on ACMG/AMP sequence variant interpretation guidelines (Richards et al. 2015 PMID: 25741868, with internal and published modifications).